The following is an entry in ClinVar:

NM_177965.4(CFAP418):c.471-4A>G

Gene: CFAP418 (cilia and flagella associated protein 418; minus strand). Cytogenetic location: 8q22.1.
Variant type: single nucleotide variant.
Coding change: c.471-4A>G on transcript NM_177965.4 (MANE Select); 4 bases into the intron before coding-DNA position 471, A replaced by G.
Molecular consequence: intron variant.
Genome position (GRCh38, 1-based): chr8:95,247,774, T>C on the plus strand (A>G on the coding strand, the complement: CFAP418 is on the minus strand). VCF-style: chr8-95247774-T-C. GRCh37 (hg19) VCF-style: chr8-96260002-T-C.
Other names: c.375-4A>G (NM_001363260.1).
Identifiers: ClinVar variation 1681118 (VCV001681118.5), dbSNP rs1296583778, ClinGen allele CA583718067.

ClinVar aggregate classification (germline): Uncertain significance (1 of 4 stars; one submission).

Allele frequency attached by ClinVar (database versions not stated): gnomAD exomes below 0.00001.
gnomAD v4.1: 1 of 1,598,822 alleles (0.000063%); highest among the groups gnomAD compares: South Asian, 0.0011%; no homozygotes.

Submission:

Labcorp Genetics (formerly Invitae), Labcorp
Classification: Uncertain significance. Last evaluated: 2021-10-14. Review status: criteria provided, single submitter. Criteria: Invitae Variant Classification Sherloc (09022015). Collection method: clinical testing. Allele origin: germline.
Comment: This sequence change falls in intron 5 of the C8orf37 gene. It does not directly change the encoded amino acid sequence of the C8orf37 protein. This variant is not present in population databases (ExAC no frequency). This variant has not been reported in the literature in individuals affected with C8orf37-related conditions. Algorithms developed to predict the effect of sequence changes on RNA splicing suggest that this variant may disrupt the consensus splice site. In summary, the available evidence is currently insufficient to determine the role of this variant in disease. Therefore, it has been classified as a Variant of Uncertain Significance.